The following is an entry in ClinVar:

ClinVar aggregate classification (germline): Benign/Likely benign. Review status: criteria provided, multiple submitters, no conflicts (2 of 4 stars). 13 submissions from 13 submitters: Benign (1); Likely benign (11). 1 of the submissions does not count toward it. Last evaluated 2026-03-27.

Conditions:
Polymerase proofreading-related adenomatous polyposis. Also called: Polymerase proofreading associated polyposis; Polymerase proofreading–associated polyposis (PPAP). Identifiers: Orphanet 447877, MedGen C5202613, MONDO:0018653.
POLD1-related disorder. Also called: POLD1-related condition; POLD1-related disorders.
Hereditary cancer-predisposing syndrome. Also called: Tumor predisposition; Hereditary Cancer Syndrome; Neoplastic Syndromes, Hereditary; Hereditary neoplastic syndrome. Identifiers: Orphanet 140162, MedGen C0027672, MeSH D009386, MONDO:0015356.
POLD1-related polyposis and colorectal cancer syndrome (CRCS10). Also called: Colorectal cancer 10; COLORECTAL CANCER, SUSCEPTIBILITY TO, ON CHROMOSOME 19q; Colorectal cancer, susceptibility to, 10. Identifiers: Orphanet 220460, MedGen C2675481, MONDO:0012953, OMIM 612591.

Allele frequency attached by ClinVar (database versions not stated): gnomAD 0.00003; TOPMed 0.00003; gnomAD exomes 0.00006; ExAC 0.00007.
gnomAD v4.1: 83 of 1,613,812 alleles (0.0051%); highest among the groups gnomAD compares: Middle Eastern, 0.082%; no homozygotes.

Submissions (13):

PreventionGenetics, part of Exact Sciences
Classification: Likely benign for POLD1-related condition. Last evaluated: 2026-03-27. Review status: criteria provided, single submitter. Criteria: ACMG Guidelines, 2015. Collection method: clinical testing. Allele origin: germline.
Comment: This variant is classified as likely benign based on ACMG/AMP sequence variant interpretation guidelines (Richards et al. 2015 PMID: 25741868, with internal and published modifications).

Labcorp Genetics (formerly Invitae), Labcorp
Classification: Likely benign for POLD1-related polyposis and colorectal cancer syndrome. Last evaluated: 2026-02-04. Review status: criteria provided, single submitter. Criteria: Invitae Variant Classification Sherloc (09022015). Collection method: clinical testing. Allele origin: germline.

Center for Genomic Medicine, Rigshospitalet, Copenhagen University Hospital
Classification: Likely benign. Last evaluated: 2025-03-04. Review status: criteria provided, single submitter. Criteria: ACMG Guidelines, 2015. Collection method: clinical testing. Allele origin: germline.

Myriad Genetics, Inc.
Classification: Benign for POLD1-related polyposis and colorectal cancer syndrome. Last evaluated: 2025-02-06. Review status: criteria provided, single submitter. Criteria: Myriad Autosomal Dominant, Autosomal Recessive and X-Linked Classification Criteria (2023). Collection method: clinical testing. Allele origin: unknown.
Comment: This variant is considered benign. This variant is a silent/synonymous amino acid change and it is not expected to impact splicing.

CeGaT Center for Human Genetics Tuebingen
Classification: Likely benign. Last evaluated: 2023-08-01. Review status: criteria provided, single submitter. Criteria: CeGaT Center For Human Genetics Tuebingen Variant Classification Criteria Version 2. Collection method: clinical testing. Allele origin: germline. Affected: yes. Observed: 1 variant allele.
Comment: POLD1: BP4, BP7

KCCC/NGS Laboratory, Kuwait Cancer Control Center
Classification: Likely benign for POLD1-related polyposis and colorectal cancer syndrome. Last evaluated: 2023-07-07. Review status: criteria provided, single submitter. Criteria: ACMG Guidelines, 2015. Collection method: clinical testing. Allele origin: germline. Affected: yes.

Blueprint Genetics
Classification: Likely benign. Last evaluated: 2023-01-11. Review status: criteria provided, single submitter. Criteria: ACMG Guidelines, 2015. Collection method: clinical testing. Allele origin: germline.

Sema4
Classification: Likely benign for Hereditary cancer-predisposing syndrome. Last evaluated: 2021-04-23. Review status: criteria provided, single submitter. Criteria: Sema4 Curation Guidelines. Collection method: curation. Allele origin: germline.

ARUP Laboratories, Molecular Genetics and Genomics, ARUP Laboratories
Classification: Likely benign. Last evaluated: 2021-01-25. Review status: criteria provided, single submitter. Criteria: ARUP Molecular Germline Variant Investigation Process 2021. Collection method: clinical testing. Allele origin: germline.

GeneDx
Classification: Likely benign. Last evaluated: 2017-08-18. Review status: criteria provided, single submitter. Criteria: GeneDx Variant Classification (06012015). Collection method: clinical testing. Allele origin: germline. Affected: yes.
Comment: This variant is considered likely benign or benign based on one or more of the following criteria: it is a conservative change, it occurs at a poorly conserved position in the protein, it is predicted to be benign by multiple in silico algorithms, and/or has population frequency not consistent with disease.

Ambry Genetics
Classification: Likely benign for Hereditary cancer-predisposing syndrome. Last evaluated: 2015-08-14. Review status: criteria provided, single submitter. Criteria: Ambry Variant Classification Scheme 2023. Collection method: clinical testing. Allele origin: germline.

Breakthrough Genomics
Classification: Likely benign. Review status: criteria provided, single submitter. Criteria: ACMG Guidelines, 2015. Collection method: not provided. Allele origin: germline. Inheritance: Autosomal dominant inheritance. Affected: yes.

Department of Pathology and Laboratory Medicine, Sinai Health System
Classification: Uncertain significance for Polymerase proofreading-related adenomatous polyposis. Review status: no assertion criteria provided. Collection method: clinical testing. Allele origin: unknown. Affected: yes. Study: The Canadian Open Genetics Repository (COGR). Not counted in ClinVar's aggregate classification.
Comment: The POLD1 p.Arg454= variant was not identified in the literature. The variant was identified in dbSNP (rs773075581) as â€šÃ„Ãºwith likely benign alleleâ€šÃ„Ã¹ and ClinVar (classified as likely benign by GeneDx, Invitae and Ambry Genetics). The variant was identified in control databases in 16 of 251,188 chromosomes at a frequency of 0.00006 (Genome Aggregation Database Feb 27, 2017). The variant was observed in the following populations: European in 14 of 113,624 chromosomes (freq: 0.0001), African in 1 of 16,246 chromosomes (freq: 0.00006), and South Asian in 1 of 30,610 chromosomes (freq: 0.00003); it was not observed in the Latino, Ashkenazi Jewish, East Asian, Finnish or Other populations. The p.Arg454= variant is not expected to have clinical significance because it does not result in a change of amino acid and occurs at a non-highly conserved nucleotide outside of the splicing consensus sequence. However, 1 of 4 in silico or computational prediction software programs (SpliceSiteFinder, MaxEntScan, NNSPLICE, GeneSplicer) predict a greater than 10% difference in splicing; this is not very predictive of pathogenicity. In summary, based on the above information, the clinical significance of this variant cannot be determined with certainty at this time. This variant is classified as a variant of uncertain significance.

NM_002691.4(POLD1):c.1362C>T (p.Arg454=)

Gene: POLD1 (DNA polymerase delta 1, catalytic subunit; plus strand). Cytogenetic location: 19q13.33.
Variant type: single nucleotide variant.
Coding change: c.1362C>T on transcript NM_002691.4 (MANE Select); coding-DNA position 1362, C replaced by T.
Protein change: p.Arg454=; no amino-acid change (arginine 454 retained).
Molecular consequence: synonymous variant. On other transcripts: non-coding transcript variant (1).
Genome position (GRCh38, 1-based): chr19:50,406,301, C>T. VCF-style: chr19-50406301-C-T. GRCh37 (hg19) VCF-style: chr19-50909558-C-T.
Other names: c.1362C>T, p.Arg454= (NM_001256849.1, NM_001308632.1).
Identifiers: ClinVar variation 239231 (VCV000239231.55), dbSNP rs773075581, ClinGen allele CA9596111.
Genomic context (GRCh38, chr19:50,406,301, plus strand): 5'-TTCATTCCAGTCCAAGCAGACGGGCCGGCGGGACACCAAGGTTGTCAGCATGGTGGGCCG[C>T]GTGCAGATGGACATGCTGCAGGTATGGGCGGGAGGTGGGGTGTGTCCCTGTCCTTGGAAG-3'
Protein context (NP_002682.2, residues 444-464): RDTKVVSMVG[Arg454=]VQMDMLQVLL